The following is an entry in ClinVar:

NM_003054.6(SLC18A2):c.821G>A (p.Arg274Gln)

Gene: SLC18A2 (solute carrier family 18 member A2; plus strand). Cytogenetic location: 10q25.3.
Variant type: single nucleotide variant.
Coding change: c.821G>A on transcript NM_003054.6 (MANE Select); coding-DNA position 821, G replaced by A.
Protein change: p.Arg274Gln; replaces arginine 274 with glutamine.
Molecular consequence: missense variant.
Genome position (GRCh38, 1-based): chr10:117,255,509, G>A. VCF-style: chr10-117255509-G-A. GRCh37 (hg19) VCF-style: chr10-119015020-G-A.
Other names: short protein forms R274Q.
Identifiers: ClinVar variation 1441888 (VCV001441888.7), dbSNP rs780542106, ClinGen allele CA5710449.
Genomic context (GRCh38, chr10:117,255,509, plus strand): 5'-GGGCTTGTCTTTTTTATTTTTATTTTTTAGCTATTCAGCTCTTTGTGCTCCAGCCGTCCC[G>A]GGTGCAGCCAGAGGTAAGCGGCTGGGAATGAGGGCCCTGGGGGAGGGGGCATGGTGCTGC-3'
Protein context (NP_003045.2, residues 264-284): AIQLFVLQPS[Arg274Gln]VQPESQKGTP

ClinVar aggregate classification (germline): Uncertain significance (1 of 4 stars; one submission).

Allele frequency attached by ClinVar (database versions not stated): TOPMed 0.00001.
gnomAD v4.1: 8 of 1,614,036 alleles (0.0005%); highest among the groups gnomAD compares: Middle Eastern, 0.033%; no homozygotes.

Submission:

Labcorp Genetics (formerly Invitae), Labcorp
Classification: Uncertain significance. Last evaluated: 2025-10-02. Review status: criteria provided, single submitter. Criteria: Invitae Variant Classification Sherloc (09022015). Collection method: clinical testing. Allele origin: germline.
Comment: This sequence change replaces arginine, which is basic and polar, with glutamine, which is neutral and polar, at codon 274 of the SLC18A2 protein (p.Arg274Gln). This variant is present in population databases (rs780542106, gnomAD 0.003%). This variant has not been reported in the literature in individuals affected with SLC18A2-related conditions. ClinVar contains an entry for this variant (Variation ID: 1441888). An algorithm developed to predict the effect of missense changes on protein structure and function outputs the following: PolyPhen-2: "Benign". The glutamine amino acid residue is found in multiple mammalian species, which suggests that this missense change does not adversely affect protein function. In summary, the available evidence is currently insufficient to determine the role of this variant in disease. Therefore, it has been classified as a Variant of Uncertain Significance.